The following is an entry in ClinVar:

ClinVar aggregate classification (germline): Uncertain significance (1 of 4 stars; one submission).

Conditions:
Early-infantile DEE. Also called: Early infantile epileptic encephalopathy; Early infantile epileptic encephalopathy with suppression bursts; Ohtahara syndrome. Identifiers: Orphanet 1934, MedGen C0393706, MONDO:0800491.

Allele frequency attached by ClinVar (database versions not stated): ExAC 0.00001.
gnomAD v4.1: 1 of 1,613,560 alleles (0.000062%); highest among the groups gnomAD compares: Non-Finnish European, 0.000085%; no homozygotes.

Submission:

Labcorp Genetics (formerly Invitae), Labcorp
Classification: Uncertain significance for Early-infantile DEE. Last evaluated: 2024-02-16. Review status: criteria provided, single submitter. Criteria: Invitae Variant Classification Sherloc (09022015). Collection method: clinical testing. Allele origin: germline.
Comment: This sequence change replaces serine, which is neutral and polar, with threonine, which is neutral and polar, at codon 682 of the HCN1 protein (p.Ser682Thr). This variant is present in population databases (rs769364301, gnomAD 0.0009%). This variant has not been reported in the literature in individuals affected with HCN1-related conditions. ClinVar contains an entry for this variant (Variation ID: 2148924). Advanced modeling of protein sequence and biophysical properties (such as structural, functional, and spatial information, amino acid conservation, physicochemical variation, residue mobility, and thermodynamic stability) performed at Invitae indicates that this missense variant is not expected to disrupt HCN1 protein function with a negative predictive value of 80%. In summary, the available evidence is currently insufficient to determine the role of this variant in disease. Therefore, it has been classified as a Variant of Uncertain Significance.

NM_021072.4(HCN1):c.2045G>C (p.Ser682Thr)

Gene: HCN1 (hyperpolarization activated cyclic nucleotide gated potassium channel 1; minus strand). Cytogenetic location: 5p12.
Variant type: single nucleotide variant.
Coding change: c.2045G>C on transcript NM_021072.4 (MANE Select); coding-DNA position 2045, G replaced by C.
Protein change: p.Ser682Thr; replaces serine 682 with threonine.
Molecular consequence: missense variant.
Genome position (GRCh38, 1-based): chr5:45,262,549, C>G on the plus strand (G>C on the coding strand, the complement: HCN1 is on the minus strand). VCF-style: chr5-45262549-C-G. GRCh37 (hg19) VCF-style: chr5-45262651-C-G.
Other names: short protein forms S682T.
Identifiers: ClinVar variation 2148924 (VCV002148924.4), dbSNP rs769364301, ClinGen allele CA3259171.
Genomic context (GRCh38, chr5:45,262,549, plus strand): 5'-GCGGTGGTGTAGGAGCAGGGTGACAGGATGGCTGATGGCTGGGGGGTCTGTGTGCTGGGA[C>G]TGGGGGAGTGCAGGTTGCTGTGAGACAGGCTGGTCGCTGTGTACACCGGTGGAGATTGTG-3'
Protein context (NP_066550.2, residues 672-692): SLSHSNLHSP[Ser682Thr]PSTQTPQPSA